The following is an entry in ClinVar:

NM_033305.3(VPS13A):c.481del (p.Arg161fs)

Gene: VPS13A (vacuolar protein sorting 13 homolog A; plus strand). Cytogenetic location: 9q21.2.
Variant type: Deletion.
Coding change: c.481del on transcript NM_033305.3 (MANE Select); coding-DNA position 481, one base deleted (C; older notation c.481delC).
Protein change: p.Arg161fs; shifts the reading frame from arginine 161.
Molecular consequence: frameshift variant.
Genome position (GRCh38, 1-based): chr9:77,209,518, C deleted. VCF-style (leftmost placement, unchanged base first): chr9-77209517-TC-T. GRCh37 (hg19) VCF-style: chr9-79824433-TC-T.
Other names: c.481del, p.Arg161fs (NM_015186.4, NM_001018037.2, NM_001018038.3); short protein forms R161fs.
Identifiers: ClinVar variation 5012966 (VCV005012966.1).

ClinVar aggregate classification (germline): Pathogenic (1 of 4 stars; one submission).

Conditions:
VPS13A-related neurodegenerative disease. Also called: ACANTHOCYTOSIS WITH NEUROLOGIC DISORDER; LEVINE-CRITCHLEY SYNDROME; Choreoacanthocytosis; Chorea-acanthocytosis; Choreaacanthocytosis; VPS13A Disease. Identifiers: Orphanet 2388, MedGen C0393576, MONDO:0008695, OMIM 200150.

Submission:

Myriad Genetics, Inc.
Classification: Pathogenic for VPS13A-related neurodegenerative disease. Last evaluated: 2024-04-27. Review status: criteria provided, single submitter. Criteria: Myriad Autosomal Dominant, Autosomal Recessive and X-Linked Classification Criteria (2023). Collection method: clinical testing. Allele origin: unknown.
Comment: NM_033305.2(VPS13A):c.481delC(R161Vfs*22) is expected to be pathogenic in the context of VPS13A disease. This variant is predicted to lead to an abnormal or absent protein product due to the creation of a premature termination codon in VPS13A, a gene where loss-of-function variants are known to be pathogenic. Please note: this variant was assessed in the context of healthy population screening.